The following is an entry in ClinVar:

NC_000020.10:g.(?_3190198)_(6760201_?)del

Genes: DNAAF9 (dynein axonemal assembly factor 9; minus strand), FERMT1 (FERM domain containing kindlin 1; minus strand), GFRA4 (GDNF family receptor alpha 4; minus strand), GPCPD1 (glycerophosphocholine phosphodiesterase 1; minus strand), LRRN4 (leucine rich repeat neuronal 4; minus strand) and 32 more. Cytogenetic location: 20p13-12.3.
Variant type: Deletion.
Identifiers: ClinVar variation 3248273 (VCV003248273.1).

ClinVar aggregate classification (germline): Pathogenic (1 of 4 stars; one submission).

Conditions:
Inosine triphosphatase deficiency. Also called: INOSINE TRIPHOSPHATE PYROPHOSPHOHYDROLASE DEFICIENCY. Identifiers: MedGen C0342800, MONDO:0013461, OMIM 613850.

Submission:

Labcorp Genetics (formerly Invitae), Labcorp
Classification: Pathogenic for Inosine triphosphatase deficiency. Last evaluated: 2023-03-01. Review status: criteria provided, single submitter. Criteria: Invitae Variant Classification Sherloc (09022015). Collection method: clinical testing. Allele origin: unknown.
Comment: A gross deletion of the genomic region encompassing the full coding sequence of the ITPA gene has been identified. Loss-of-function variants in ITPA are known to be pathogenic (PMID: 26224535). The boundaries of this event are unknown as they extend beyond the assayed region for this gene and therefore may encompass additional genes. Isolated whole-gene deletions of ITPA have not been reported in the literature. However, larger copy number events that include this gene have been reported (PMID: 34989426). For these reasons, this variant has been classified as Pathogenic.

Literature cited by the submitters: PubMed 26224535; PubMed 34989426.